The following is an entry in ClinVar:

ClinVar aggregate classification (germline): Uncertain significance (1 of 4 stars; one submission).

Submission:

Labcorp Genetics (formerly Invitae), Labcorp
Classification: Uncertain significance. Last evaluated: 2023-07-25. Review status: criteria provided, single submitter. Criteria: Invitae Variant Classification Sherloc (09022015). Collection method: clinical testing. Allele origin: germline.
Comment: This variant has not been reported in the literature in individuals affected with RNF31-related conditions. In summary, the available evidence is currently insufficient to determine the role of this variant in disease. Therefore, it has been classified as a Variant of Uncertain Significance. An algorithm developed to predict the effect of missense changes on protein structure and function (PolyPhen-2) suggests that this variant is likely to be tolerated. This variant is not present in population databases (gnomAD no frequency). This sequence change replaces glycine, which is neutral and non-polar, with cysteine, which is neutral and slightly polar, at codon 338 of the RNF31 protein (p.Gly338Cys).

NM_017999.5(RNF31):c.1012G>T (p.Gly338Cys)

Gene: RNF31 (ring finger protein 31; plus strand). Cytogenetic location: 14q12.
Variant type: single nucleotide variant.
Coding change: c.1012G>T on transcript NM_017999.5 (MANE Select); coding-DNA position 1012, G replaced by T.
Protein change: p.Gly338Cys; replaces glycine 338 with cysteine.
Molecular consequence: missense variant.
Genome position (GRCh38, 1-based): chr14:24,150,263, G>T. VCF-style: chr14-24150263-G-T. GRCh37 (hg19) VCF-style: chr14-24619472-G-T.
Other names: c.559G>T, p.Gly187Cys (NM_001310332.2); short protein forms G338C, G187C.
Identifiers: ClinVar variation 2746675 (VCV002746675.3), dbSNP rs1167962116, ClinGen allele CA389291633.
Genomic context (GRCh38, chr14:24,150,263, plus strand): 5'-GTGCTCTGTGTGGCCTGTGATCGGCCCCGAGGCTGTAAGGGGTTGGGGTTGGGAACTGAG[G>T]GTCCCCAAGGAACTGGAGGCCTAGAACCTGATCTTGCACGGGGTCGGTGGGCCTGCCAGA-3'
Protein context (NP_060469.4, residues 328-348): GCKGLGLGTE[Gly338Cys]PQGTGGLEPD